The following is an entry in ClinVar:

NM_018297.4(NGLY1):c.88G>A (p.Glu30Lys)

Gene: NGLY1 (N-glycanase 1; minus strand). Cytogenetic location: 3p24.2.
Variant type: single nucleotide variant.
Coding change: c.88G>A on transcript NM_018297.4 (MANE Select); coding-DNA position 88, G replaced by A.
Protein change: p.Glu30Lys; replaces glutamic acid 30 with lysine.
Molecular consequence: missense variant. On other transcripts: intron variant (1).
Genome position (GRCh38, 1-based): chr3:25,783,303, C>T on the plus strand (G>A on the coding strand, the complement: NGLY1 is on the minus strand). VCF-style: chr3-25783303-C-T. GRCh37 (hg19) VCF-style: chr3-25824794-C-T.
Other names: c.88G>A, p.Glu30Lys (NM_001145293.2, NM_001145295.2); c.6-4615G>A (NM_001145294.2); short protein forms E30K.
Identifiers: ClinVar variation 958820 (VCV000958820.7), dbSNP rs1708506506, ClinGen allele CA351911265.

ClinVar aggregate classification (germline): Uncertain significance (1 of 4 stars; one submission).

Conditions:
Congenital disorder of deglycosylation (CDDG). Identifiers: MedGen C3808991, MONDO:0031376.

Submission:

Labcorp Genetics (formerly Invitae), Labcorp
Classification: Uncertain significance for Congenital disorder of deglycosylation. Last evaluated: 2019-08-22. Review status: criteria provided, single submitter. Criteria: Invitae Variant Classification Sherloc (09022015). Collection method: clinical testing. Allele origin: germline.
Comment: This sequence change replaces glutamic acid with lysine at codon 30 of the NGLY1 protein (p.Glu30Lys). The glutamic acid residue is moderately conserved and there is a small physicochemical difference between glutamic acid and lysine. This variant is not present in population databases (ExAC no frequency). This variant has not been reported in the literature in individuals with NGLY1-related conditions. Algorithms developed to predict the effect of missense changes on protein structure and function (SIFT, PolyPhen-2, Align-GVGD) all suggest that this variant is likely to be tolerated, but these predictions have not been confirmed by published functional studies and their clinical significance is uncertain. In summary, the available evidence is currently insufficient to determine the role of this variant in disease. Therefore, it has been classified as a Variant of Uncertain Significance.